The following is an entry in ClinVar:

ClinVar aggregate classification (germline): Likely benign (1 of 4 stars; one submission).

Allele frequency attached by ClinVar (database versions not stated): gnomAD exomes 0.00001.
gnomAD v4.1: 12 of 1,551,536 alleles (0.00077%); highest among the groups gnomAD compares: South Asian, 0.012%; no homozygotes.

Submission:

CeGaT Center for Human Genetics Tuebingen
Classification: Likely benign. Last evaluated: 2022-05-01. Review status: criteria provided, single submitter. Criteria: CeGaT Center For Human Genetics Tuebingen Variant Classification Criteria Version 2. Collection method: clinical testing. Allele origin: germline. Affected: yes. Observed: 1 variant allele.
Comment: SETD1B: BP4, BP7

NM_001353345.2(SETD1B):c.306G>A (p.Pro102=)

Gene: SETD1B (SET domain containing 1B, histone lysine methyltransferase; plus strand). Cytogenetic location: 12q24.31.
Variant type: single nucleotide variant.
Coding change: c.306G>A on transcript NM_001353345.2 (MANE Select); coding-DNA position 306, G replaced by A.
Protein change: p.Pro102=; no amino-acid change (proline 102 retained).
Molecular consequence: synonymous variant.
Genome position (GRCh38, 1-based): chr12:121,805,867, G>A. VCF-style: chr12-121805867-G-A. GRCh37 (hg19) VCF-style: chr12-122243773-G-A.
Identifiers: ClinVar variation 2643418 (VCV002643418.24), dbSNP rs1265210833, ClinGen allele CA482184132.